The following is an entry in ClinVar:

ClinVar aggregate classification (germline): Uncertain significance (1 of 4 stars; one submission).

Conditions:
Cardiovascular phenotype. Identifiers: MedGen CN230736.

Submission:

Ambry Genetics
Classification: Uncertain significance for Cardiovascular phenotype. Last evaluated: 2024-08-11. Review status: criteria provided, single submitter. Criteria: Ambry Variant Classification Scheme 2023. Collection method: clinical testing. Allele origin: germline.
Comment: The p.R9Q variant (also known as c.26G>A), located in coding exon 1 of the LDLRAP1 gene, results from a G to A substitution at nucleotide position 26. The arginine at codon 9 is replaced by glutamine, an amino acid with highly similar properties. This amino acid position is conserved. In addition, this alteration is predicted to be tolerated by in silico analysis. Based on the available evidence, the clinical significance of this variant remains unclear.

NM_015627.3(LDLRAP1):c.26G>A (p.Arg9Gln)

Genes: LDLRAP1 (low density lipoprotein receptor adaptor protein 1; plus strand), LOC129929773 (ATAC-STARR-seq lymphoblastoid silent region 456; plus strand). Cytogenetic location: 1p36.11.
Variant type: single nucleotide variant.
Coding change: c.26G>A on transcript NM_015627.3 (MANE Select); coding-DNA position 26, G replaced by A.
Protein change: p.Arg9Gln; replaces arginine 9 with glutamine.
Molecular consequence: missense variant.
Genome position (GRCh38, 1-based): chr1:25,543,724, G>A. VCF-style: chr1-25543724-G-A. GRCh37 (hg19) VCF-style: chr1-25870215-G-A.
Other names: short protein forms R9Q.
Identifiers: ClinVar variation 3537765 (VCV003537765.1).